The following is an entry in ClinVar:

NM_003126.4(SPTA1):c.*99TG[23]

Genes: SPTA1 (spectrin alpha, erythrocytic 1; minus strand), OR10Z1 (olfactory receptor family 10 subfamily Z member 1; plus strand). Cytogenetic location: 1q23.1.
Variant type: Microsatellite.
Coding change: c.*99TG[23] on transcript NM_003126.4 (MANE Select); 23 copies in a row of the 2-base unit TG starting at c.*99; the reference has 17 copies in a row; six copies, 12 bases duplicated.
Molecular consequence: 3 prime UTR variant.
Genome position (GRCh38, 1-based): chr1:158,611,132-158,611,143, CACACACACACA duplicated on the plus strand (TGTGTGTGTGTG on the coding strand, the reverse complement: SPTA1 is on the minus strand); duplicating any 12 consecutive bases within chr1:158,611,132-158,611,166 gives the same sequence; the position shown is the placement nearest the transcript's 3' end. VCF-style (leftmost placement, unchanged base first): chr1-158611131-G-GCACACACACACA. GRCh37 (hg19) VCF-style: chr1-158580921-G-GCACACACACACA.
Other names: c.*121_*132dup (NM_003126.4); c.*3753AC[23] (NM_001004478.2).
Identifiers: ClinVar variation 292929 (VCV000292929.6), dbSNP rs55832242, ClinGen allele CA10608018.
Genomic context (GRCh38, chr1:158,611,131, plus strand): 5'-TCTCCCACCCTTGAGATTTTTTAAGATCCTACAATAAATGTAATATGCACACAAACACAA[G>GCACACACACACA]CACACACACACACACACACACACACACACACACACGAGGCCATCTTTATCTTCCACATTT-3'

ClinVar aggregate classification (germline): Likely benign (1 of 4 stars; one submission).

Submission:

Mayo Clinic Laboratories, Mayo Clinic
Classification: Likely benign. Last evaluated: 2025-04-02. Review status: criteria provided, single submitter. Criteria: ACMG Guidelines, 2015. Collection method: clinical testing. Allele origin: germline. Observed: 31 variant alleles.
Comment: BP4, BP7, PM2_moderate